The following is an entry in ClinVar:

NM_015272.5(RPGRIP1L):c.1030-1G>T

Gene: RPGRIP1L (RPGRIP1 like; minus strand). Cytogenetic location: 16q12.2.
Variant type: single nucleotide variant.
Coding change: c.1030-1G>T on transcript NM_015272.5 (MANE Select); the canonical splice acceptor site of the intron before coding-DNA position 1030, G replaced by T.
Molecular consequence: splice acceptor variant.
Genome position (GRCh38, 1-based): chr16:53,671,584, C>A on the plus strand (G>T on the coding strand, the complement: RPGRIP1L is on the minus strand). VCF-style: chr16-53671584-C-A. GRCh37 (hg19) VCF-style: chr16-53705496-C-A.
Other names: c.1030-1G>T (NM_001127897.4, NM_001330538.2, NM_001308334.3).
Identifiers: ClinVar variation 1506017 (VCV001506017.7), dbSNP rs2151236867, ClinGen allele CA395922704.

ClinVar aggregate classification (germline): Likely pathogenic. Review status: criteria provided, multiple submitters, no conflicts (2 of 4 stars). 2 submissions from 2 submitters: Likely pathogenic (2). Last evaluated 2024-05-21.

Conditions:
Meckel-Gruber syndrome. Also called: DYSENCEPHALIA SPLANCHNOCYSTICA; GRUBER SYNDROME; Dysencephalia splachnocystica. Identifiers: Orphanet 564, MedGen C0265215, MONDO:0018921.
Joubert syndrome. Also called: CEREBELLOPARENCHYMAL DISORDER IV; JOUBERT-BOLTSHAUSER SYNDROME; Familial aplasia of the vermis. Identifiers: Orphanet 475, MedGen C5979921, MONDO:0018772.
Meckel syndrome, type 5 (MKS5). Identifiers: Orphanet 564, MedGen C1969052, MONDO:0012695, OMIM 611561.
Joubert syndrome 7 (JBTS7). Identifiers: Orphanet 220497, MedGen C1969053, MONDO:0012694, OMIM 611560.
COACH syndrome 3. Identifiers: MedGen C5436841, MONDO:0030862, OMIM 619113.

gnomAD v4.1: 1 of 1,482,102 alleles (0.000067%); highest among the groups gnomAD compares: South Asian, 0.0012%; no homozygotes.

Submissions (2):

Fulgent Genetics
Classification: Likely pathogenic for Joubert syndrome 7; Meckel syndrome, type 5; COACH syndrome 3. Last evaluated: 2024-05-21. Review status: criteria provided, single submitter. Criteria: ACMG Guidelines, 2015. Collection method: clinical testing. Allele origin: germline.

Labcorp Genetics (formerly Invitae), Labcorp
Classification: Likely pathogenic for Joubert syndrome; Meckel-Gruber syndrome. Last evaluated: 2024-01-31. Review status: criteria provided, single submitter. Criteria: Invitae Variant Classification Sherloc (09022015). Collection method: clinical testing. Allele origin: germline.
Comment: This sequence change affects an acceptor splice site in intron 8 of the RPGRIP1L gene. It is expected to disrupt RNA splicing. Variants that disrupt the donor or acceptor splice site typically lead to a loss of protein function (PMID: 16199547), and loss-of-function variants in RPGRIP1L are known to be pathogenic (PMID: 17558409). This variant is not present in population databases (gnomAD no frequency). This variant has not been reported in the literature in individuals affected with RPGRIP1L-related conditions. ClinVar contains an entry for this variant (Variation ID: 1506017). Algorithms developed to predict the effect of sequence changes on RNA splicing suggest that this variant may disrupt the consensus splice site. In summary, the currently available evidence indicates that the variant is pathogenic, but additional data are needed to prove that conclusively. Therefore, this variant has been classified as Likely Pathogenic.

Literature cited by the submitters: PubMed 16199547 (cited by Labcorp Genetics (formerly Invitae), Labcorp); PubMed 17558409 (cited by Labcorp Genetics (formerly Invitae), Labcorp).